The following is an entry in ClinVar:

ClinVar aggregate classification (germline): Pathogenic/Likely pathogenic. Review status: criteria provided, multiple submitters, no conflicts (2 of 4 stars). 12 submissions from 12 submitters: Pathogenic (8); Likely pathogenic (4). Last evaluated 2026-09-14.

Conditions:
ATM-related cancer predisposition. Also called: ATM-related cancer susceptibility. Identifiers: MedGen CN377759, MONDO:0700270.
ATM-related disorder. Also called: ATM-related disorders; ATM-related condition.
Familial cancer of breast. Also called: hereditary breast carcinoma; Hereditary breast cancer; BREAST CANCER, FAMILIAL. Identifiers: Orphanet 227535, MedGen C0346153, MONDO:0016419, OMIM 114480. Disease mechanism: loss of function.
Ataxia-telangiectasia syndrome (AT). Also called: Cerebello-oculocutaneous telangiectasia; Immunodeficiency with ataxia telangiectasia; Ataxia-telangiectasia, complementation group D; AT, COMPLEMENTATION GROUP C; ATAXIA-TELANGIECTASIA, COMPLEMENTATION GROUP A; ATAXIA-TELANGIECTASIA, FRESNO VARIANT. Identifiers: Orphanet 100, MedGen C0004135, MONDO:0008840, OMIM 208900.
Hereditary cancer-predisposing syndrome. Also called: Hereditary Cancer Syndrome; Tumor predisposition; Hereditary neoplastic syndrome; Neoplastic Syndromes, Hereditary. Identifiers: Orphanet 140162, MedGen C0027672, MeSH D009386, MONDO:0015356.

Submissions (12):

Hema, HEMA – Genetic and Molecular Diagnostic Laboratory
Classification: Pathogenic for ATM-related cancer predisposition. Last evaluated: 2026-09-14. Review status: criteria provided, single submitter. Criteria: HEMA Variant Classification Assertion Criteria. Collection method: clinical testing. Allele origin: germline.
Comment: The c.3510dup p.(Gln1171Thrfs*8) variant is a duplication of an adenine nucleotide that results in a frameshift in ATM. PVS1: Null variant (frameshift variant) in a gene for which loss of function is a known disease mechanism. It is a frameshift variant that introduces a premature stop codon in exon 24/63, which is predicted to lead to nonsense-mediated decay (NMD) of the transcript. PM2_Supporting: Present at very low frequency in gnomAD. PM5_Supporting: Variant that introduces a premature stop codon upstream of codon 3407 of ATM.

KCCC/NGS Laboratory, Kuwait Cancer Control Center
Classification: Pathogenic for Familial cancer of breast. Last evaluated: 2025-12-01. Review status: criteria provided, single submitter. Criteria: ACMG Guidelines, 2015. Collection method: clinical testing. Allele origin: germline. Inheritance: Autosomal dominant inheritance. Affected: yes.
Comment: A known pathogenic variant

Labcorp Genetics (formerly Invitae), Labcorp
Classification: Pathogenic for Ataxia-telangiectasia syndrome. Last evaluated: 2025-07-27. Review status: criteria provided, single submitter. Criteria: Invitae Variant Classification Sherloc (09022015). Collection method: clinical testing. Allele origin: germline.
Comment: This sequence change creates a premature translational stop signal (p.Gln1171Thrfs*8) in the ATM gene. It is expected to result in an absent or disrupted protein product. Loss-of-function variants in ATM are known to be pathogenic (PMID: 23807571, 25614872). This variant is present in population databases (no rsID available, gnomAD 0.003%). This variant has not been reported in the literature in individuals affected with ATM-related conditions. ClinVar contains an entry for this variant (Variation ID: 231011). RNA analysis performed to evaluate the impact of this premature translational stop signal on mRNA splicing indicates it does not significantly alter splicing (internal data). For these reasons, this variant has been classified as Pathogenic.

Natera, Inc.
Classification: Likely pathogenic for Ataxia-telangiectasia. Last evaluated: 2025-02-17. Review status: criteria provided, single submitter. Criteria: Natera Variant Classification Schema (03/2026). Collection method: clinical testing. Allele origin: germline.
Comment: The c.3510dupA variant in ATM is a frameshift variant predicted to shift the reading frame beginning at codon 1171 and leads to a stop codon 8 codons downstream. This variant is expected to result in nonsense mediated decay, truncation, or a dysfunctional protein product. This variant is rare in the general population with a frequency below the threshold expected for the associated phenotype(s). Given the available evidence, this variant is classified as Likely Pathogenic.

Blueprint Genetics
Classification: Pathogenic for ATM-related disorders. Last evaluated: 2024-08-26. Review status: criteria provided, single submitter. Criteria: ACMG Guidelines, 2015. Collection method: clinical testing. Allele origin: germline. Affected: yes. Observed: 2 variant alleles.

Myriad Genetics, Inc.
Classification: Pathogenic for Familial cancer of breast. Last evaluated: 2024-01-22. Review status: criteria provided, single submitter. Criteria: Myriad Autosomal Dominant, Autosomal Recessive and X-Linked Classification Criteria (2023). Collection method: clinical testing. Allele origin: unknown.
Comment: This variant is considered pathogenic. This variant creates a frameshift predicted to result in premature protein truncation.

Ambry Genetics
Classification: Pathogenic for Hereditary cancer-predisposing syndrome. Last evaluated: 2023-11-02. Review status: criteria provided, single submitter. Criteria: Ambry Variant Classification Scheme 2023. Collection method: clinical testing. Allele origin: germline.
Comment: The c.3510dupA pathogenic mutation, located in coding exon 23 of the ATM gene, results from a duplication of A at nucleotide position 3510, causing a translational frameshift with a predicted alternate stop codon (p.Q1171Tfs*8). This alteration is expected to result in loss of function by premature protein truncation or nonsense-mediated mRNA decay. As such, this alteration is interpreted as a disease-causing mutation.

Baylor Genetics
Classification: Pathogenic for Familial cancer of breast. Last evaluated: 2023-09-21. Review status: criteria provided, single submitter. Criteria: ACMG Guidelines, 2015. Collection method: clinical testing. Allele origin: unknown.

Color Diagnostics, LLC DBA Color Health
Classification: Pathogenic for Hereditary cancer-predisposing syndrome. Last evaluated: 2022-11-16. Review status: criteria provided, single submitter. Criteria: ACMG Guidelines, 2015. Collection method: clinical testing. Allele origin: germline.
Comment: This variant inserts 1 nucleotide in exon 24 of the ATM gene, creating a frameshift and premature translation stop signal. This variant is expected to result in an absent or non-functional protein product. To our knowledge, this variant has not been reported in individuals affected with hereditary cancer in the literature. This variant has been identified in 1/251336 chromosomes in the general population by the Genome Aggregation Database (gnomAD). Loss of ATM function is a known mechanism of disease. Based on the available evidence, this variant is classified as Pathogenic.

GeneDx
Classification: Likely pathogenic. Last evaluated: 2022-06-27. Review status: criteria provided, single submitter. Criteria: GeneDx Variant Classification Process June 2021. Collection method: clinical testing. Allele origin: germline. Affected: yes.
Comment: Frameshift variant predicted to result in protein truncation or nonsense mediated decay in a gene for which loss-of-function is a known mechanism of disease; Not observed at a significant frequency in large population cohorts (gnomAD); Observed in an unaffected control (Lu 2019); This variant is associated with the following publications: (PMID: 29922827, 30128536)

Fulgent Genetics
Classification: Likely pathogenic for Familial cancer of breast; Ataxia-telangiectasia syndrome. Last evaluated: 2022-01-05. Review status: criteria provided, single submitter. Criteria: ACMG Guidelines, 2015. Collection method: clinical testing. Allele origin: unknown.

Sema4
Classification: Likely pathogenic for Hereditary cancer-predisposing syndrome. Last evaluated: 2021-05-06. Review status: criteria provided, single submitter. Criteria: Sema4 Curation Guidelines. Collection method: curation. Allele origin: germline.
Comment: The ATM c.3510dupA (p.Q1171TfsX8) variant has not been reported in individuals with ATM-related disease to our knowledge. This variant causes a frameshift at amino acid 1171 that results in premature termination 8 amino acids downstream. At this location, this is predicted to cause nonsense-mediated decay and result in an absent protein (loss of function). This variant was observed in 1/34586 chromosomes in the Latino population according to the Genome Aggregation Database (PMID: 32461654). This variant has been reported in ClinVar (Variation ID: 231011). Based on the current evidence available, this variant is interpreted as likely pathogenic.

Literature cited by the submitters: PubMed 23807571 (cited by Labcorp Genetics (formerly Invitae), Labcorp); PubMed 25614872 (cited by Labcorp Genetics (formerly Invitae), Labcorp).

NM_000051.4(ATM):c.3510dup (p.Gln1171fs)

Gene: ATM (ATM serine/threonine kinase; plus strand). Cytogenetic location: 11q22.3.
Variant type: Duplication.
Coding change: c.3510dup on transcript NM_000051.4 (MANE Select); coding-DNA position 3510, one base duplicated (A; older notation c.3510dupA).
Protein change: p.Gln1171fs; shifts the reading frame from glutamine 1171.
Molecular consequence: frameshift variant.
Genome position (GRCh38, 1-based): chr11:108,281,102, A duplicated; the last of 5 consecutive A bases (chr11:108,281,098-108,281,102); duplicating any one gives the same sequence. VCF-style (leftmost placement, unchanged base first): chr11-108281097-G-GA. GRCh37 (hg19) VCF-style: chr11-108151824-G-GA.
Other names: c.3510_3511insA (NM_000051.3); c.3510dupA (NM_000051.3); c.3510dup, p.Gln1171fs (NM_001351834.2); short protein forms Q1171fs.
Identifiers: ClinVar variation 231011 (VCV000231011.25), dbSNP rs876658899, ClinGen allele CA10579108.
Genomic context (GRCh38, chr11:108,281,097, plus strand): 5'-AATAGAAAATCTGTTTTACTGACGTTGATAGCTGTGGTTTTATCCTGTAGCCCTATCTGC[G>GA]AAAAACAGGCTTTGTTTGCCCTGTGTAAATCTGTGAAAGAGAATGGATTAGAACCTCACC-3'